The following is an entry in ClinVar:

NM_001374504.1(TMPRSS6):c.1396G>A (p.Asp466Asn)

Gene: TMPRSS6 (transmembrane serine protease 6; minus strand). Cytogenetic location: 22q12.3.
Variant type: single nucleotide variant.
Coding change: c.1396G>A on transcript NM_001374504.1 (MANE Select); coding-DNA position 1396, G replaced by A.
Protein change: p.Asp466Asn; replaces aspartic acid 466 with asparagine.
Molecular consequence: missense variant.
Genome position (GRCh38, 1-based): chr22:37,074,655, C>T on the plus strand (G>A on the coding strand, the complement: TMPRSS6 is on the minus strand). VCF-style: chr22-37074655-C-T. GRCh37 (hg19) VCF-style: chr22-37470695-C-T.
Other names: p.Asp475Asn; c.1396G>A, p.Asp466Asn (NM_001289000.2, NM_001289001.2, NM_153609.4); c.1423G>A (NM_153609.3); short protein forms D466N.
Identifiers: ClinVar variation 3068017 (VCV003068017.2), dbSNP rs2517741970, ClinGen allele CA411421484.

ClinVar aggregate classification (germline): Uncertain significance. Review status: criteria provided, multiple submitters, no conflicts (2 of 4 stars). 2 submissions from 2 submitters: Uncertain significance (2). Last evaluated 2025-05-27.

Conditions:
Iron-refractory iron deficiency anemia (IRIDA). Also called: ANEMIA, HYPOCHROMIC MICROCYTIC, WITH DEFECT IN IRON METABOLISM; PSEUDO-IRON-DEFICIENCY ANEMIA; IRIDA syndrome; IRON-HANDLING DISORDER, HEREDITARY. Identifiers: Orphanet 209981, MedGen C0085576, MONDO:0008788, OMIM 206200. Disease mechanism: loss of function.

Submissions (2):

Mayo Clinic Laboratories, Mayo Clinic
Classification: Uncertain significance. Last evaluated: 2025-05-27. Review status: criteria provided, single submitter. Criteria: ACMG Guidelines, 2015. Collection method: clinical testing. Allele origin: germline. Observed: 1 variant allele.
Comment: PM2_supporting

Genomic Medicine Center of Excellence, King Faisal Specialist Hospital and Research Centre
Classification: Uncertain significance for Iron-refractory iron deficiency anemia. Last evaluated: 2024-04-04. Review status: criteria provided, single submitter. Criteria: ACMG Guidelines, 2015. Collection method: clinical testing. Allele origin: germline.